The following is an entry in ClinVar:

NM_001753.4(CAV1):c.-88delC

Gene: CAV1 (caveolin 1; plus strand). Cytogenetic location: 7q31.2.
Variant type: Deletion.
Coding change: c.-88delC on transcript NM_001753.4; 88 bases upstream of the start codon, one base deleted (C).
Genome position (GRCh38, 1-based): chr7:116,524,975, C deleted; the last of 6 consecutive C bases (chr7:116,524,970-116,524,975); deleting any one gives the same sequence. VCF-style (leftmost placement, unchanged base first): chr7-116524969-TC-T. GRCh37 (hg19) VCF-style: chr7-116165023-TC-T.
Identifiers: ClinVar variation 3031175 (VCV003031175.2), dbSNP rs1033610386, ClinGen allele CA918110587.

ClinVar aggregate classification (germline): Uncertain significance (0 of 4 stars; one submission).

Conditions:
CAV1-related disorder. Also called: CAV1-related condition.

Submission:

PreventionGenetics, part of Exact Sciences
Classification: Uncertain significance for CAV1-related condition. Last evaluated: 2024-03-19. Review status: no assertion criteria provided. Collection method: clinical testing. Allele origin: germline.
Comment: The CAV1 c.-88delC variant is located in the 5' untranslated region. This variant was reported in an individual with atypical partial lipodystrophy (Cao et al. 2008. PubMed ID: 18237401). This variant has not been reported in a large population database, indicating this variant is rare. At this time, the clinical significance of this variant is uncertain due to the absence of conclusive functional and genetic evidence.